The following is an entry in ClinVar:

NM_000539.3(RHO):c.381C>G (p.Ser127=)

Gene: RHO (rhodopsin; plus strand). Cytogenetic location: 3q22.1.
Variant type: single nucleotide variant.
Coding change: c.381C>G on transcript NM_000539.3 (MANE Select); coding-DNA position 381, C replaced by G.
Protein change: p.Ser127=; no amino-acid change (serine 127 retained).
Molecular consequence: synonymous variant.
Genome position (GRCh38, 1-based): chr3:129,530,895, C>G. VCF-style: chr3-129530895-C-G. GRCh37 (hg19) VCF-style: chr3-129249738-C-G.
Identifiers: ClinVar variation 343276 (VCV000343276.21), dbSNP rs146311684, ClinGen allele CA2607148.

ClinVar aggregate classification (germline): Benign/Likely benign. Review status: criteria provided, multiple submitters, no conflicts (2 of 4 stars). 6 submissions from 5 submitters: Benign (1); Likely benign (5). Last evaluated 2026-01-21.

Conditions:
Congenital stationary night blindness autosomal dominant 1. Also called: NIGHT BLINDNESS, CONGENITAL STATIONARY, RHODOPSIN-RELATED. Identifiers: Orphanet 215, MedGen C1864869, MONDO:0012498, OMIM 610445.
Retinitis pigmentosa (RP). Identifiers: Orphanet 791, MedGen C0035334, MeSH D012174, MONDO:0019200, OMIM 268000. Inheritance: Autosomal dominant, autosomal recessive and X linked inheritance.

Allele frequency attached by ClinVar (database versions not stated): ESP Exome Variant Server 0.00100; 1000 Genomes Project 30x 0.00109; 1000 Genomes Project 0.00120; gnomAD 0.00130 and 0.00144; TOPMed 0.00151.
gnomAD v4.1: 415 of 1,614,238 alleles (0.026%); highest among the groups gnomAD compares: African/African-American, 0.47%; 2 homozygotes.

Submissions (6):

Labcorp Genetics (formerly Invitae), Labcorp
Classification: Benign. Last evaluated: 2026-01-21. Review status: criteria provided, single submitter. Criteria: Invitae Variant Classification Sherloc (09022015). Collection method: clinical testing. Allele origin: germline.

Blueprint Genetics
Classification: Likely benign. Last evaluated: 2024-08-06. Review status: criteria provided, single submitter. Criteria: ACMG Guidelines, 2015. Collection method: clinical testing. Allele origin: germline.

Illumina Laboratory Services, Illumina
Classification: Likely benign for Congenital stationary night blindness autosomal dominant 1. Last evaluated: 2017-04-28. Review status: criteria provided, single submitter. Criteria: ICSL Variant Classification Criteria 13 December 2019. Collection method: clinical testing. Allele origin: germline.
Comment: This variant was observed as part of a predisposition screen in an ostensibly healthy population. A literature search was performed for the gene, cDNA change, and amino acid change (where applicable). No publications were found based on this search. Allele frequency data from public databases allowed determination this variant is unlikely to cause disease. Therefore, this variant is classified as likely benign.

Illumina Laboratory Services, Illumina
Classification: Likely benign for Retinitis pigmentosa. Last evaluated: 2017-04-28. Review status: criteria provided, single submitter. Criteria: ICSL Variant Classification Criteria 13 December 2019. Collection method: clinical testing. Allele origin: germline.
Comment: This variant was observed as part of a predisposition screen in an ostensibly healthy population. A literature search was performed for the gene, cDNA change, and amino acid change (where applicable). Publications were found based on this search. The evidence from the literature, in combination with allele frequency data from public databases where available, was sufficient to determine this variant is unlikely to cause disease. Therefore, this variant is classified as likely benign.

Eurofins Ntd Llc (ga)
Classification: Likely benign. Last evaluated: 2017-02-15. Review status: criteria provided, single submitter. Criteria: EGL Classification Definitions 2015. Collection method: clinical testing. Allele origin: germline. Observed: 1 variant allele, 1 heterozygote.

Breakthrough Genomics
Classification: Likely benign. Review status: criteria provided, single submitter. Criteria: ACMG Guidelines, 2015. Collection method: not provided. Allele origin: germline. Inheritance: Autosomal recessive inheritance. Affected: yes.

Literature cited by the submitters: PubMed 14971589 (cited by Illumina Laboratory Services, Illumina).